The following is an entry in ClinVar:

Conditions:
Breast-ovarian cancer, familial, susceptibility to, 1 (BROVCA1). Also called: BRCA1 Hereditary Breast and Ovarian Cancer; OVARIAN CANCER, SUSCEPTIBILITY TO. Identifiers: Orphanet 145, MedGen C2676676, MONDO:0011450, OMIM 604370. Disease mechanism: loss of function.

Submission:

Brotman Baty Institute, University of Washington
No classification provided (evidence only). Condition: Breast-ovarian cancer, familial 1. Review status: no classification provided. Collection method: in vitro. Allele origin: not applicable. Functional consequence: functionally_normal.
ClinVar note: "not provided" was previously submitted as the classification for the variant. However, the classification appeared to be based only on an observation of functional data so it was converted to no classification on 2025-07-30.

NM_007294.4(BRCA1):c.5369C>T (p.Ser1790Phe)

Gene: BRCA1 (BRCA1 DNA repair associated; minus strand). Cytogenetic location: 17q21.31.
Variant type: single nucleotide variant.
Coding change: c.5369C>T on transcript NM_007294.4 (MANE Select); coding-DNA position 5369, C replaced by T.
Protein change: p.Ser1790Phe; replaces serine 1790 with phenylalanine.
Molecular consequence: missense variant. On other transcripts: non-coding transcript variant (1), intron variant (1).
Genome position (GRCh38, 1-based): chr17:43,049,158, G>A on the plus strand (C>T on the coding strand, the complement: BRCA1 is on the minus strand). VCF-style: chr17-43049158-G-A. GRCh37 (hg19) VCF-style: chr17-41201175-G-A.
Other names: c.5156C>T, p.Ser1719Phe (NM_001407571.1, NM_001407894.1, NM_001407895.1 and 12 more transcripts); c.5435C>T, p.Ser1812Phe (NM_001407581.1, NM_001407582.1); c.5432C>T, p.Ser1811Phe (NM_001407583.1, NM_001407585.1, NM_001407587.1 and 1 more transcripts); c.5429C>T, p.Ser1810Phe (NM_001407590.1, NM_001407591.1); c.5369C>T, p.Ser1790Phe (NM_001407593.1, NM_001407594.1, NM_001407596.1 and 5 more transcripts); c.5366C>T, p.Ser1789Phe (NM_001407610.1, NM_001407611.1, NM_001407612.1 and 14 more transcripts); c.5363C>T, p.Ser1788Phe (NM_001407629.1, NM_001407630.1, NM_001407631.1 and 13 more transcripts); c.5309C>T, p.Ser1770Phe (NM_001407649.1); and 73 more; short protein forms S1790F, S1811F, S686F, S1743F, S1494F, S1621F, S1701F, S1719F.
Identifiers: ClinVar variation 865667 (VCV000865667.3), dbSNP rs2051084243, ClinGen allele CA10590729.